The following is an entry in ClinVar:

ClinVar aggregate classification (germline): Uncertain significance. Review status: criteria provided, multiple submitters, no conflicts (2 of 4 stars). 2 submissions from 2 submitters: Uncertain significance (2). Last evaluated 2025-09-05.

Conditions:
IFT88-related disorder. Also called: IFT88-related condition.

gnomAD v4.1: 1 of 1,493,880 alleles (0.000067%); highest among the groups gnomAD compares: Admixed American, 0.0026%; no homozygotes.

Submissions (2):

Ambry Genetics
Classification: Uncertain significance. Last evaluated: 2025-09-05. Review status: criteria provided, single submitter. Criteria: Ambry Variant Classification Scheme 2023. Collection method: clinical testing. Allele origin: germline.

PreventionGenetics, part of Exact Sciences
Classification: Uncertain significance for IFT88-related condition. Last evaluated: 2025-05-08. Review status: criteria provided, single submitter. Criteria: ACMG Guidelines, 2015. Collection method: clinical testing. Allele origin: germline.
Comment: The IFT88 c.1576T>C variant is predicted to result in the amino acid substitution p.Cys526Arg. To our knowledge, this variant has not been reported in the literature. This variant is reported in 0.0068% of alleles in individuals of Latino descent in gnomAD. At this time, the clinical significance of this variant is uncertain due to the absence of conclusive functional and genetic evidence.

NM_006531.5(IFT88):c.1549T>C (p.Cys517Arg)

Gene: IFT88 (intraflagellar transport 88; plus strand). Cytogenetic location: 13q12.11.
Variant type: single nucleotide variant.
Coding change: c.1549T>C on transcript NM_006531.5 (MANE Select); coding-DNA position 1549, T replaced by C.
Protein change: p.Cys517Arg; replaces cysteine 517 with arginine.
Molecular consequence: missense variant. On other transcripts: non-coding transcript variant (4).
Genome position (GRCh38, 1-based): chr13:20,638,494, T>C. VCF-style: chr13-20638494-T-C. GRCh37 (hg19) VCF-style: chr13-21212633-T-C.
Other names: c.1576T>C (NM_175605.4); c.1492T>C, p.Cys498Arg (NM_001318491.2, NM_001353575.2); c.1576T>C, p.Cys526Arg (NM_001318493.2, NM_001353565.2, NM_001353566.2 and 2 more transcripts); c.1549T>C, p.Cys517Arg (NM_001353568.2, NM_001353572.2); c.1474T>C, p.Cys492Arg (NM_001353569.2, NM_001353570.2, NM_001353576.2 and 1 more transcripts); c.1447T>C, p.Cys483Arg (NM_001353571.2, NM_001353578.2); c.1405T>C, p.Cys469Arg (NM_001353573.2); c.1390T>C, p.Cys464Arg (NM_001353574.2); and 1 more; short protein forms C306R, C464R, C469R, C498R, C517R, C526R, C492R, C483R.
Identifiers: ClinVar variation 4273984 (VCV004273984.2).
Genomic context (GRCh38, chr13:20,638,494, plus strand): 5'-AATGGTGATTATGAGAAGGCCGCTGAATTCTATAAAGAGGCTCTAAGAAATGATTCTTCT[T>C]GTACTGAAGCACTTTATAATATTGGTAAGTGAAACAAGGGGAAATTGCTTTTTAAATTAT-3'
Protein context (NP_006522.2, residues 507-527): YKEALRNDSS[Cys517Arg]TEALYNIGLT